The following is an entry in ClinVar:

ClinVar aggregate classification (germline): Benign (0 of 4 stars; one submission).

Conditions:
ATXN8OS-related disorder. Also called: ATXN8OS-related condition.

Allele frequency attached by ClinVar (database versions not stated): gnomAD exomes 0.62284; 1000 Genomes Project 0.63858; gnomAD 0.64110; 1000 Genomes Project 30x 0.64491; TOPMed 0.64856.
gnomAD v4.1: 370,041 of 588,752 alleles (63%); highest among the groups gnomAD compares: African/African-American, 74%; 122,740 homozygotes.

Submission:

PreventionGenetics, part of Exact Sciences
Classification: Benign for ATXN8OS-related condition. Last evaluated: 2023-01-31. Review status: no assertion criteria provided. Collection method: clinical testing. Allele origin: germline.
Comment: This variant is classified as benign based on ACMG/AMP sequence variant interpretation guidelines (Richards et al. 2015 PMID: 25741868, with internal and published modifications).

NR_002717.3(ATXN8OS):n.1004C>T

Gene: ATXN8OS (ATXN8 opposite strand lncRNA; plus strand). Cytogenetic location: 13q21.33.
Variant type: single nucleotide variant.
Molecular consequence: non-coding transcript variant (on NR_002717.3).
Genome position: GRCh38 VCF-style: chr13-70139493-C-T. GRCh37 (hg19) VCF-style: chr13-70713625-C-T.
Identifiers: ClinVar variation 3056715 (VCV003056715.2), dbSNP rs302018, ClinGen allele CA252266824.